The following is an entry in ClinVar:

ClinVar aggregate classification (germline): Uncertain significance (1 of 4 stars; one submission).

Conditions:
RASopathy. Also called: Noonan spectrum disorder; rasopathies. Identifiers: Orphanet 536391, MedGen C5555857, MONDO:0021060.

gnomAD v4.1: 1 of 1,613,554 alleles (0.000062%); highest among the groups gnomAD compares: Non-Finnish European, 0.000085%; no homozygotes.

Submission:

Labcorp Genetics (formerly Invitae), Labcorp
Classification: Uncertain significance for RASopathy. Last evaluated: 2024-05-01. Review status: criteria provided, single submitter. Criteria: Invitae Variant Classification Sherloc (09022015). Collection method: clinical testing. Allele origin: germline.
Comment: This sequence change replaces histidine, which is basic and polar, with glutamine, which is neutral and polar, at codon 149 of the MAP2K2 protein (p.His149Gln). This variant is not present in population databases (gnomAD no frequency). This variant has not been reported in the literature in individuals affected with MAP2K2-related conditions. Advanced modeling of protein sequence and biophysical properties (such as structural, functional, and spatial information, amino acid conservation, physicochemical variation, residue mobility, and thermodynamic stability) has been performed at Invitae for this missense variant, however the output from this modeling did not meet the statistical confidence thresholds required to predict the impact of this variant on MAP2K2 protein function. In summary, the available evidence is currently insufficient to determine the role of this variant in disease. Therefore, it has been classified as a Variant of Uncertain Significance.

NM_030662.4(MAP2K2):c.447C>G (p.His149Gln)

Gene: MAP2K2 (mitogen-activated protein kinase kinase 2; minus strand). Cytogenetic location: 19p13.3.
Variant type: single nucleotide variant.
Coding change: c.447C>G on transcript NM_030662.4 (MANE Select); coding-DNA position 447, C replaced by G.
Protein change: p.His149Gln; replaces histidine 149 with glutamine.
Molecular consequence: missense variant.
Genome position (GRCh38, 1-based): chr19:4,110,512, G>C on the plus strand (C>G on the coding strand, the complement: MAP2K2 is on the minus strand). VCF-style: chr19-4110512-G-C. GRCh37 (hg19) VCF-style: chr19-4110510-G-C.
Other names: short protein forms H149Q.
Identifiers: ClinVar variation 3636802 (VCV003636802.2).
Genomic context (GRCh38, chr19:4,110,512, plus strand): 5'-CCAACATGCTCTGTTCCGTGGAGGCCCTGCCCCTGCCCCTGCCCCGGACGCACTCACCAT[G>C]TGTTCCATGCAAATGCTGATCTCCCCGTCACTGTAGAAGGCCCCGTAGAAGCCCACGATG-3'
Protein context (NP_109587.1, residues 139-159): SDGEISICME[His149Gln]MDGGSLDQVL